The following is an entry in ClinVar:

ClinVar aggregate classification (germline): Uncertain significance (1 of 4 stars; one submission).

Submission:

GeneDx
Classification: Uncertain significance. Last evaluated: 2022-11-10. Review status: criteria provided, single submitter. Criteria: GeneDx Variant Classification Process June 2021. Collection method: clinical testing. Allele origin: germline. Affected: yes.
Comment: Not observed at significant frequency in large population cohorts (gnomAD); In silico analysis supports that this missense variant has a deleterious effect on protein structure/function; Has not been previously published as pathogenic or benign to our knowledge

NM_002585.4(PBX1):c.349G>C (p.Val117Leu)

Gene: PBX1 (PBX homeobox 1; plus strand). Cytogenetic location: 1q23.3.
Variant type: single nucleotide variant.
Coding change: c.349G>C on transcript NM_002585.4 (MANE Select); coding-DNA position 349, G replaced by C.
Protein change: p.Val117Leu; replaces valine 117 with leucine.
Molecular consequence: missense variant.
Genome position (GRCh38, 1-based): chr1:164,792,577, G>C. VCF-style: chr1-164792577-G-C. GRCh37 (hg19) VCF-style: chr1-164761814-G-C.
Other names: c.349G>C, p.Val117Leu (NM_001204961.2, NM_001204963.2, NM_001353131.2); c.100G>C, p.Val34Leu (NM_001353130.1); short protein forms V117L, V34L.
Identifiers: ClinVar variation 2501956 (VCV002501956.1), dbSNP rs1668568844, ClinGen allele CA343469813.